The following is an entry in ClinVar:

NM_022336.4(EDAR):c.158G>A (p.Gly53Glu)

Genes: EDAR (ectodysplasin A receptor; minus strand), RANBP2 (RAN binding protein 2; plus strand). Cytogenetic location: 2q13.
Variant type: single nucleotide variant.
Coding change: c.158G>A on transcript NM_022336.4 (MANE Select); coding-DNA position 158, G replaced by A.
Protein change: p.Gly53Glu; replaces glycine 53 with glutamic acid.
Molecular consequence: missense variant.
Genome position (GRCh38, 1-based): chr2:108,930,136, C>T on the plus strand (G>A on the coding strand, the complement: EDAR is on the minus strand). VCF-style: chr2-108930136-C-T. GRCh37 (hg19) VCF-style: chr2-109546592-C-T.
Other names: short protein forms G53E.
Identifiers: ClinVar variation 3362369 (VCV003362369.3).

ClinVar aggregate classification (germline): Uncertain significance (1 of 4 stars; one submission).

Conditions:
Ectodermal dysplasia 10A, hypohidrotic/hair/nail type, autosomal dominant (ECTD10A). Also called: Ectodermal Dysplasia 3, Anhidrotic. Identifiers: Orphanet 1810, Orphanet 238468, MedGen C3888065, MONDO:0007509, OMIM 129490.

gnomAD v4.1: 2 of 1,613,858 alleles (0.00012%); highest among the groups gnomAD compares: Admixed American, 0.0017%; no homozygotes.

Submission:

Neuberg Centre For Genomic Medicine, NCGM
Classification: Uncertain significance for Ectodermal dysplasia 10A, hypohidrotic/hair/nail type, autosomal dominant. Last evaluated: 2023-05-20. Review status: criteria provided, single submitter. Criteria: ACMG Guidelines, 2015. Collection method: clinical testing. Allele origin: germline. Inheritance: Autosomal recessive inheritance. Affected: yes.
Comment: The missense variant c.158G>A (p.Gly53Glu) in the EDAR gene has not been reported previously as a pathogenic variant nor as a benign variant, to our knowledge. This variant is reported with the allele frequency (0.0003%) in the gnomAD Exomes. The amino acid Glycine at position 53 is changed to a Glutamic Acid changing protein sequence and it might alter its composition and physico-chemical properties. Multiple lines of computational evidence (SIFT - Damaging and MutationTaster - Disease causing) predict a damaging effect on protein structure and function for this variant. The amino acid change p.Gly53Glu in EDAR is predicted as conserved by GERP++ and PhyloP across 100 vertebrates. For these reasons, this variant has been classified as Uncertain Significance